The following is an entry in ClinVar:

ClinVar aggregate classification (germline): Uncertain significance (1 of 4 stars; one submission).

Conditions:
Inborn genetic diseases. Identifiers: MedGen C0950123, MeSH D030342.

gnomAD v4.1: 1 of 1,614,112 alleles (0.000062%); highest among the groups gnomAD compares: Non-Finnish European, 0.000085%; no homozygotes.

Submission:

Ambry Genetics
Classification: Uncertain significance for Inborn genetic diseases. Last evaluated: 2026-01-01. Review status: criteria provided, single submitter. Criteria: Ambry Variant Classification Scheme 2023. Collection method: clinical testing. Allele origin: germline.
Comment: The p.H366Y variant (also known as c.1096C>T), located in coding exon 5 of the SH2B3 gene, results from a C to T substitution at nucleotide position 1096. The histidine at codon 366 is replaced by tyrosine, an amino acid with similar properties. This amino acid position is conserved. In addition, this alteration is predicted to be deleterious by in silico analysis. Based on the available evidence, the clinical significance of this variant remains unclear.

NM_005475.3(SH2B3):c.1096C>T (p.His366Tyr)

Gene: SH2B3 (SH2B adaptor protein 3; plus strand). Cytogenetic location: 12q24.12.
Variant type: single nucleotide variant.
Coding change: c.1096C>T on transcript NM_005475.3 (MANE Select); coding-DNA position 1096, C replaced by T.
Protein change: p.His366Tyr; replaces histidine 366 with tyrosine.
Molecular consequence: missense variant.
Genome position (GRCh38, 1-based): chr12:111,447,404, C>T. VCF-style: chr12-111447404-C-T. GRCh37 (hg19) VCF-style: chr12-111885208-C-T.
Other names: c.490C>T, p.His164Tyr (NM_001291424.1); short protein forms H164Y, H366Y.
Identifiers: ClinVar variation 4842821 (VCV004842821.1).